The following is an entry in ClinVar:

NM_003849.4(SUCLG1):c.193_194delinsAA (p.Gly65Asn)

Gene: SUCLG1 (succinate-CoA ligase GDP/ADP-forming subunit alpha; minus strand). Cytogenetic location: 2p11.2.
Variant type: Indel.
Coding change: c.193_194delinsAA on transcript NM_003849.4 (MANE Select); coding-DNA positions 193 to 194, GG replaced by AA.
Protein change: p.Gly65Asn; replaces glycine 65 with asparagine.
Molecular consequence: missense variant.
Genome position (GRCh38, 1-based): chr2:84,449,656-84,449,657, CC replaced by TT on the plus strand (GG replaced by AA on the coding strand, the reverse complement: SUCLG1 is on the minus strand). VCF-style: chr2-84449656-CC-TT. GRCh37 (hg19) VCF-style: chr2-84676780-CC-TT.
Other names: short protein forms G65N.
Identifiers: ClinVar variation 1977808 (VCV001977808.5), dbSNP rs2468643107, ClinGen allele CA2580068227.
Genomic context (GRCh38, chr2:84,449,656, plus strand): 5'-AATTTGTTATATCTCTAGTCTACATTTGAAAATAAAAATCTAGATATACATACCTGTTTG[CC>TT]AGTGAAACCCTGGCAAATAATCTTTGTATTTTTATCAACATAGAGATGTTGCCGAGAAGC-3'
Protein context (NP_003840.2, residues 55-75): NTKIICQGFT[Gly65Asn]KQGTFHSQQA

ClinVar aggregate classification (germline): Uncertain significance (1 of 4 stars; one submission).

Conditions:
Mitochondrial DNA depletion syndrome 9 (MTDPS9). Also called: SUCLG1-Related Mitochondrial DNA Depletion Syndrome, Encephalomyopathic Form with Methylmalonic Aciduria. Identifiers: Orphanet 17, MedGen C3151476, MONDO:0009504, OMIM 245400.

Submission:

Labcorp Genetics (formerly Invitae), Labcorp
Classification: Uncertain significance for Mitochondrial DNA depletion syndrome 9. Last evaluated: 2022-07-25. Review status: criteria provided, single submitter. Criteria: Invitae Variant Classification Sherloc (09022015). Collection method: clinical testing. Allele origin: germline.
Comment: In summary, the available evidence is currently insufficient to determine the role of this variant in disease. Therefore, it has been classified as a Variant of Uncertain Significance. Algorithms developed to predict the effect of missense changes on protein structure and function are either unavailable or do not agree on the potential impact of this missense change (SIFT: "Not Available"; PolyPhen-2: "Probably Damaging"; Align-GVGD: "Not Available"). This variant has not been reported in the literature in individuals affected with SUCLG1-related conditions. Information on the frequency of this variant in the gnomAD database is not available, as this variant may be reported differently in the database. This sequence change replaces glycine, which is neutral and non-polar, with asparagine, which is neutral and polar, at codon 65 of the SUCLG1 protein (p.Gly65Asn).